The following is an entry in ClinVar:

NM_000552.5(VWF):c.4141A>G (p.Thr1381Ala)

Gene: VWF (von Willebrand factor; minus strand). Cytogenetic location: 12p13.31.
Variant type: single nucleotide variant.
Coding change: c.4141A>G on transcript NM_000552.5 (MANE Select); coding-DNA position 4141, A replaced by G.
Protein change: p.Thr1381Ala; replaces threonine 1381 with alanine.
Molecular consequence: missense variant.
Genome position (GRCh38, 1-based): chr12:6,019,277, T>C on the plus strand (A>G on the coding strand, the complement: VWF is on the minus strand). VCF-style: chr12-6019277-T-C. GRCh37 (hg19) VCF-style: chr12-6128443-T-C.
Other names: NM_000552.5(VWF):c.4141A>G; c.4141A>G (NM_000552.4); short protein forms T1381A.
Identifiers: ClinVar variation 256678 (VCV000256678.27), dbSNP rs216311, ClinGen allele CA6402593.

ClinVar aggregate classification (germline): Benign. Review status: reviewed by expert panel (3 of 4 stars). 14 submissions from 12 submitters: Benign (1). 13 of the submissions do not count toward it. Last evaluated 2024-08-13.

Conditions:
Hereditary von Willebrand disease. Identifiers: Orphanet 903, MedGen C5703318, MONDO:0019565. Inheritance: Autosomal recessive or Autosomal dominant.
von Willebrand disease type 2 (VWD2). Also called: VON WILLEBRAND DISEASE, TYPE 2A/IIE; VON WILLEBRAND DISEASE, TYPE 2CB; VON WILLEBRAND DISEASE, TYPE II; VWD, TYPE 2. Identifiers: Orphanet 166081, Orphanet 903, MedGen C1264040, MONDO:0013304, OMIM 613554.
von Willebrand disease type 1 (VWD1). Also called: VON WILLEBRAND DISEASE, TYPE I; VWD, TYPE 1. Identifiers: Orphanet 166078, Orphanet 903, MedGen C1264039, MONDO:0008668, OMIM 193400. Inheritance: autosomal recessive or autosomal dominant.
von Willebrand disease type 3 (VWD3). Also called: Type 3 Von Willebrand's disease; Type 3 VWD; Von Willebrand disease, severe form; V WD3; VON WILLEBRAND DISEASE, TYPE III. Identifiers: Orphanet 166096, MedGen C1264041, MONDO:0010191, OMIM 277480.

Allele frequency attached by ClinVar (database versions not stated): ExAC 0.67975; ESP Exome Variant Server 0.70867; gnomAD 0.71493 and 0.71523; TOPMed 0.73944; 1000 Genomes Project 0.77556; 1000 Genomes Project 30x 0.77748.
gnomAD v4.1: 1,040,536 of 1,613,522 alleles (64%); highest among the groups gnomAD compares: African/African-American, 90%; 341,016 homozygotes.

Submissions (14):

ClinGen von Willebrand Disease Variant Curation Expert Panel, ClinGen
Classification: Benign for Hereditary von Willebrand disease. Last evaluated: 2024-08-13. Review status: reviewed by expert panel. Criteria: ClinGen VWD 2A B M Rules. Collection method: curation. Allele origin: germline.
Comment: The missense variant NM_000552.5(VWF):c.4141A>G (p.Thr1381Ala) is common in the general population with a Grpmax filtering allele frequency of 0.8925 (based on 67313/74942 alleles in the African/African American population) in gnomAD v4.1 (BA1). Several probands have been reported (PMID: 30817071, PMID: 30762591) with Thr1381Ala in cis or trans with additional vWF variants, including the type 2B Arg1308Cys variant (ClinVar 289, classified Pathogenic by the ClinGen VWD VCEP; BP5). and therefore meets criteria to be classified as benign for von Willebrand disease based on the ACMG/AMP criteria applied, as specified by the ClinGen VWD: BA1, BP4, BP5 (VCEP Rule specifications for von Willebrand disease type 2A, 2B and 2M v1.0.0; 08/12/2024).

Women's Health and Genetics/Laboratory Corporation of America, LabCorp
Classification: Benign. Last evaluated: 2026-05-11. Review status: criteria provided, single submitter. Criteria: LabCorp Variant Classification Summary - May 2015. Collection method: clinical testing. Allele origin: germline. Not counted in ClinVar's aggregate classification.

ARUP Laboratories, Molecular Genetics and Genomics, ARUP Laboratories
Classification: Benign. Last evaluated: 2025-07-31. Review status: criteria provided, single submitter. Criteria: ARUP Molecular Germline Variant Investigation Process 2024. Collection method: clinical testing. Allele origin: germline. Not counted in ClinVar's aggregate classification.

Mayo Clinic Laboratories, Mayo Clinic
Classification: Benign. Last evaluated: 2025-07-29. Review status: criteria provided, single submitter. Criteria: ACMG Guidelines, 2015. Collection method: clinical testing. Allele origin: germline. Observed: 754 variant alleles. Not counted in ClinVar's aggregate classification.
Comment: BA1, BP4

Blueprint Genetics
Classification: Likely benign. Last evaluated: 2024-11-27. Review status: criteria provided, single submitter. Criteria: ACMG Guidelines, 2015. Collection method: clinical testing. Allele origin: germline. Not counted in ClinVar's aggregate classification.

Quest Diagnostics Nichols Institute San Juan Capistrano
Classification: Benign. Last evaluated: 2023-02-17. Review status: criteria provided, single submitter. Criteria: Quest Diagnostics criteria. Collection method: clinical testing. Allele origin: unknown. Not counted in ClinVar's aggregate classification.

Genome-Nilou Lab
Classification: Benign for von Willebrand disease type 1. Last evaluated: 2021-12-05. Review status: criteria provided, single submitter. Criteria: ACMG Guidelines, 2015. Collection method: clinical testing. Allele origin: germline. Affected: no. Not counted in ClinVar's aggregate classification.

Genome-Nilou Lab
Classification: Benign for von Willebrand disease type 3. Last evaluated: 2021-12-05. Review status: criteria provided, single submitter. Criteria: ACMG Guidelines, 2015. Collection method: clinical testing. Allele origin: germline. Affected: no. Not counted in ClinVar's aggregate classification.

Genome-Nilou Lab
Classification: Benign for von Willebrand disease type 2. Last evaluated: 2021-12-05. Review status: criteria provided, single submitter. Criteria: ACMG Guidelines, 2015. Collection method: clinical testing. Allele origin: germline. Affected: no. Not counted in ClinVar's aggregate classification.

Breakthrough Genomics
Classification: Likely benign. Review status: criteria provided, single submitter. Criteria: ACMG Guidelines, 2015. Collection method: not provided. Allele origin: germline. Inheritance: Autosomal recessive inheritance. Affected: yes. Not counted in ClinVar's aggregate classification.

PreventionGenetics, part of Exact Sciences
Classification: Benign. Review status: criteria provided, single submitter. Criteria: ACMG Guidelines, 2015. Collection method: clinical testing. Allele origin: germline. Not counted in ClinVar's aggregate classification.

Department of Pathology and Laboratory Medicine, Sinai Health System
Classification: Uncertain significance. Review status: no assertion criteria provided. Collection method: clinical testing. Allele origin: unknown. Affected: yes. Study: The Canadian Open Genetics Repository (COGR). Not counted in ClinVar's aggregate classification.
Comment: Allele frequency is common in at least one population database (frequency: 89.735% in gnomAD_Exomes) based on the frequency threshold of 0.5% for this gene. Variant was observed in a homozygous state in population databases more than expected for disease.

Diagnostic Laboratory, Department of Genetics, University Medical Center Groningen
Classification: Benign. Review status: no assertion criteria provided. Collection method: clinical testing. Allele origin: germline. Affected: yes. Study: VKGL Data-share Consensus. Not counted in ClinVar's aggregate classification.

Joint Genome Diagnostic Labs from Nijmegen and Maastricht, Radboudumc and MUMC+
Classification: Benign. Review status: no assertion criteria provided. Collection method: clinical testing. Allele origin: germline. Affected: yes. Study: VKGL Data-share Consensus. Not counted in ClinVar's aggregate classification.